The following is an entry in ClinVar:

NM_024408.4(NOTCH2):c.2219+6T>C

Gene: NOTCH2 (notch receptor 2; minus strand). Cytogenetic location: 1p12.
Variant type: single nucleotide variant.
Coding change: c.2219+6T>C on transcript NM_024408.4 (MANE Select); 6 bases into the intron after coding-DNA position 2219, T replaced by C.
Molecular consequence: intron variant.
Genome position (GRCh38, 1-based): chr1:119,955,034, A>G on the plus strand (T>C on the coding strand, the complement: NOTCH2 is on the minus strand). VCF-style: chr1-119955034-A-G. GRCh37 (hg19) VCF-style: chr1-120497657-A-G.
Other names: c.2219+6T>C (NM_001200001.2).
Identifiers: ClinVar variation 4716797 (VCV004716797.1).

ClinVar aggregate classification (germline): Uncertain significance (1 of 4 stars; one submission).

Conditions:
Hajdu-Cheney syndrome (HJCYS). Also called: ACROOSTEOLYSIS WITH OSTEOPOROSIS AND CHANGES IN SKULL AND MANDIBLE; SERPENTINE FIBULA-POLYCYSTIC KIDNEY SYNDROME; Acroosteolysis dominant type. Identifiers: Orphanet 955, MedGen C0917715, MONDO:0007057, OMIM 102500.

Submission:

Labcorp Genetics (formerly Invitae), Labcorp
Classification: Uncertain significance for Hajdu-Cheney syndrome. Last evaluated: 2025-07-01. Review status: criteria provided, single submitter. Criteria: Invitae Variant Classification Sherloc (09022015). Collection method: clinical testing. Allele origin: germline.
Comment: This sequence change falls in intron 13 of the NOTCH2 gene. It does not directly change the encoded amino acid sequence of the NOTCH2 protein. It affects a nucleotide within the consensus splice site. This variant is not present in population databases (gnomAD no frequency). This variant has not been reported in the literature in individuals affected with NOTCH2-related conditions. Variants that disrupt the consensus splice site are a relatively common cause of aberrant splicing (PMID: 17576681, 9536098). Algorithms developed to predict the effect of sequence changes on RNA splicing suggest that this variant may disrupt the consensus splice site. In summary, the available evidence is currently insufficient to determine the role of this variant in disease. Therefore, it has been classified as a Variant of Uncertain Significance.

Literature cited by the submitters: PubMed 17576681; PubMed 9536098.